The following is an entry in ClinVar:

ClinVar aggregate classification (germline): Uncertain significance. Review status: criteria provided, multiple submitters, no conflicts (2 of 4 stars). 2 submissions from 2 submitters: Uncertain significance (2). Last evaluated 2025-07-03.

Conditions:
Cardiovascular phenotype. Identifiers: MedGen CN230736.
Dilated cardiomyopathy 1DD (CMD1DD). Identifiers: Orphanet 154, MedGen C2750995, MONDO:0013168, OMIM 613172.

Allele frequency attached by ClinVar (database versions not stated): gnomAD exomes 0.00001; TOPMed 0.00001.

Submissions (2):

Labcorp Genetics (formerly Invitae), Labcorp
Classification: Uncertain significance for Dilated cardiomyopathy 1DD. Last evaluated: 2025-07-03. Review status: criteria provided, single submitter. Criteria: Invitae Variant Classification Sherloc (09022015). Collection method: clinical testing. Allele origin: germline.
Comment: This sequence change replaces alanine, which is neutral and non-polar, with valine, which is neutral and non-polar, at codon 65 of the RBM20 protein (p.Ala65Val). The frequency data for this variant in the population databases is considered unreliable, as metrics indicate poor data quality at this position in the gnomAD database. This missense change has been observed in individual(s) with hypertrophic cardiomyopathy (PMID: 34333030). ClinVar contains an entry for this variant (Variation ID: 2910081). An algorithm developed to predict the effect of missense changes on protein structure and function (PolyPhen-2) suggests that this variant is likely to be disruptive. In summary, the available evidence is currently insufficient to determine the role of this variant in disease. Therefore, it has been classified as a Variant of Uncertain Significance.

Ambry Genetics
Classification: Uncertain significance for Cardiovascular phenotype. Last evaluated: 2025-04-16. Review status: criteria provided, single submitter. Criteria: Ambry Variant Classification Scheme 2023. Collection method: clinical testing. Allele origin: germline.
Comment: The p.A65V variant (also known as c.194C>T), located in coding exon 2 of the RBM20 gene, results from a C to T substitution at nucleotide position 194. The alanine at codon 65 is replaced by valine, an amino acid with similar properties. This amino acid position is highly conserved in available vertebrate species. In addition, the in silico prediction for this alteration is inconclusive. Based on the available evidence, the clinical significance of this variant remains unclear.

Literature cited by the submitters: PubMed 34333030 (cited by Labcorp Genetics (formerly Invitae), Labcorp).

NM_001134363.3(RBM20):c.194C>T (p.Ala65Val)

Gene: RBM20 (RNA binding motif protein 20; plus strand). Cytogenetic location: 10q25.2.
Variant type: single nucleotide variant.
Coding change: c.194C>T on transcript NM_001134363.3 (MANE Select); coding-DNA position 194, C replaced by T.
Protein change: p.Ala65Val; replaces alanine 65 with valine.
Molecular consequence: missense variant.
Genome position (GRCh38, 1-based): chr10:110,780,803, C>T. VCF-style: chr10-110780803-C-T. GRCh37 (hg19) VCF-style: chr10-112540561-C-T.
Other names: short protein forms A65V.
Identifiers: ClinVar variation 2910081 (VCV002910081.4), dbSNP rs1255136385, ClinGen allele CA378378832.
Genomic context (GRCh38, chr10:110,780,803, plus strand): 5'-GCCCCTTGCCCCCCTCATTGAAAACCAGCTGTGCATCTAGACCTCTGTCTTCCCACAGTG[C>T]CGCCAAGCTCCTGGACAAGAACCCATTCTCGGTCAGTAACCCGAACCCTCTGCTTCCTTC-3'
Protein context (NP_001127835.2, residues 55-75): QAGLPQIIQN[Ala65Val]AKLLDKNPFS